The following is an entry in ClinVar:

ClinVar aggregate classification (germline): Uncertain significance (1 of 4 stars; one submission).

Conditions:
Hereditary cancer-predisposing syndrome. Also called: Neoplastic Syndromes, Hereditary; Tumor predisposition; Hereditary Cancer Syndrome; Hereditary neoplastic syndrome. Identifiers: Orphanet 140162, MedGen C0027672, MeSH D009386, MONDO:0015356.

gnomAD v4.1: 1 of 1,614,136 alleles (0.000062%); no homozygotes.

Submission:

Ambry Genetics
Classification: Uncertain significance for Hereditary cancer-predisposing syndrome. Last evaluated: 2025-10-15. Review status: criteria provided, single submitter. Criteria: Ambry Variant Classification Scheme 2023. Collection method: clinical testing. Allele origin: germline.
Comment: The p.E1210D variant (also known as c.3630G>C), located in coding exon 9 of the BRCA1 gene, results from a G to C substitution at nucleotide position 3630. The glutamic acid at codon 1210 is replaced by aspartic acid, an amino acid with highly similar properties. This amino acid position is well conserved in available vertebrate species. In addition, the in silico prediction for this alteration is inconclusive. Based on the available evidence, the clinical significance of this variant remains unclear.

NM_007294.4(BRCA1):c.3630G>C (p.Glu1210Asp)

Genes: BRCA1 (BRCA1 DNA repair associated; minus strand), LOC126862571 (BRD4-independent group 4 enhancer GRCh37_chr17:41243136-41244335; plus strand). Cytogenetic location: 17q21.31.
Variant type: single nucleotide variant.
Coding change: c.3630G>C on transcript NM_007294.4 (MANE Select); coding-DNA position 3630, G replaced by C.
Protein change: p.Glu1210Asp; replaces glutamic acid 1210 with aspartic acid.
Molecular consequence: missense variant. On other transcripts: intron variant (135).
Genome position (GRCh38, 1-based): chr17:43,091,901, C>G on the plus strand (G>C on the coding strand, the complement: BRCA1 is on the minus strand). VCF-style: chr17-43091901-C-G. GRCh37 (hg19) VCF-style: chr17-41243918-C-G.
Other names: c.3417G>C, p.Glu1139Asp (NM_001407571.1, NM_001407853.1, NM_001407894.1 and 9 more transcripts); c.3630G>C, p.Glu1210Asp (NM_001407581.1, NM_001407582.1, NM_001407583.1 and 30 more transcripts); c.3627G>C, p.Glu1209Asp (NM_001407587.1, NM_001407590.1, NM_001407591.1 and 22 more transcripts); c.587-869G>C (NM_001408474.1, NM_001408476.1); c.710-869G>C (NM_001408409.1, NM_001408412.1, NM_001408414.1 and 2 more transcripts); c.575-869G>C (NM_001408493.1, NM_001408490.1, NM_001408491.1); c.455-869G>C (NM_001408502.1); c.578-869G>C (NM_001408489.1, NM_001408479.1, NM_001408492.1 and 9 more transcripts); and 41 more; short protein forms E1042D, E1099D, E1121D, E1142D, E1168D, E342D, E1082D, E1122D.
Identifiers: ClinVar variation 4625201 (VCV004625201.1).